The following is an entry in ClinVar:

NM_000463.3(UGT1A1):c.1198A>G (p.Asn400Asp)

Genes: UGT1A7 (UDP glucuronosyltransferase family 1 member A7; plus strand), UGT1A (UDP glucuronosyltransferase family 1 member A complex locus; plus strand), UGT1A4 (UDP glucuronosyltransferase family 1 member A4; plus strand), UGT1A3 (UDP glucuronosyltransferase family 1 member A3; plus strand), UGT1A5 (UDP glucuronosyltransferase family 1 member A5; plus strand) and 5 more. Cytogenetic location: 2q37.1.
Variant type: single nucleotide variant.
Coding change: c.1198A>G on transcript NM_000463.3 (MANE Select); coding-DNA position 1198, A replaced by G.
Protein change: p.Asn400Asp; replaces asparagine 400 with aspartic acid.
Molecular consequence: missense variant.
Genome position (GRCh38, 1-based): chr2:233,768,333, A>G. VCF-style: chr2-233768333-A-G. GRCh37 (hg19) VCF-style: chr2-234676979-A-G.
Other names: c.1189A>G, p.Asn397Asp (NM_019075.4, NM_019076.5, NM_019077.3 and 1 more transcripts); c.1195A>G, p.Asn399Asp (NM_001072.4); c.394A>G, p.Asn132Asp (NM_205862.3); c.1201A>G, p.Asn401Asp (NM_019078.2, NM_007120.3, NM_019093.4); short protein forms N400D, N132D, N397D, N399D, N401D.
Identifiers: ClinVar variation 12286 (VCV000012286.7), dbSNP rs28934877, ClinGen allele CA122104.

ClinVar aggregate classification (germline): Uncertain significance. Review status: criteria provided, single submitter (1 of 4 stars). 3 submissions from 2 submitters: Uncertain significance (1). 2 of the submissions do not count toward it. Last evaluated 2025-01-02.

Conditions:
Gilbert syndrome. Also called: Gilbert Disease; HYPERBILIRUBINEMIA I; HYPERBILIRUBINEMIA, ARIAS TYPE; Gilbert's syndrome; HYPERBILIRUBINEMIA, GILBERT TYPE. Identifiers: MedGen C0017551, MONDO:0007745, OMIM 143500.
Crigler-Najjar syndrome, type II. Also called: HYPERBILIRUBINEMIA, CRIGLER-NAJJAR TYPE II; Crigler Najjar syndrome, type 2; Mutation in the UDP-glucuronosyl-transferase gene. Identifiers: Orphanet 205, Orphanet 79235, MedGen C2931132, MONDO:0011725, OMIM 606785.

Allele frequency attached by ClinVar (database versions not stated): gnomAD 0.00001; TOPMed 0.00001; ExAC 0.00004.
gnomAD v4.1: 16 of 1,614,100 alleles (0.00099%); highest among the groups gnomAD compares: Non-Finnish European, 0.0012%; no homozygotes.

Submissions (3):

Women's Health and Genetics/Laboratory Corporation of America, LabCorp
Classification: Uncertain significance. Last evaluated: 2025-01-02. Review status: criteria provided, single submitter. Criteria: LabCorp Variant Classification Summary - May 2015. Collection method: clinical testing. Allele origin: germline.
Comment: Variant summary: UGT1A1 c.1198A>G (p.Asn400Asp) results in a conservative amino acid change in the encoded protein sequence. Four of five in-silico tools predict a damaging effect of the variant on protein function. The variant allele was found at a frequency of 2.8e-05 in 249052 control chromosomes. c.1198A>G has been reported in the literature in a homozugous individual affected with UGT1A1-Related Disorders who was also homozygous for the UGT1A1*37 aka c.-40_-43dupTATA promoter expansion variant, which is likely pathogenic but not sufficient to explain the more severe presentation in this individual (example, Labrune_2002). These data indicate that the variant may be associated with disease. To our knowledge, no experimental evidence demonstrating an impact on protein function has been reported. The following publication have been ascertained in the context of this evaluation (PMID: 12402338). The following publication has been ascertained in the context of this evaluation (PMID: 12402338). ClinVar contains an entry for this variant (Variation ID: 12286). Based on the evidence outlined above, the variant was classified as VUS-possibly pathogenic.

OMIM
Classification: Pathogenic for CRIGLER-NAJJAR SYNDROME, TYPE II. Last evaluated: 2002-11-01. Review status: no assertion criteria provided. Collection method: literature only. Allele origin: germline. Not counted in ClinVar's aggregate classification.

OMIM
Classification: Affects for GILBERT SYNDROME. Last evaluated: 2002-11-01. Review status: no assertion criteria provided. Collection method: literature only. Allele origin: germline. Not counted in ClinVar's aggregate classification.

Literature cited by the submitters: PubMed 12402338 (cited by Women's Health and Genetics/Laboratory Corporation of America, LabCorp and OMIM).